The following is an entry in ClinVar:

ClinVar aggregate classification (germline): Pathogenic (1 of 4 stars; one submission).

Conditions:
RYR1-related disorder. Also called: RYR1-related condition; RYR1-related disorders. Identifiers: MedGen CN239331.

Submission:

Labcorp Genetics (formerly Invitae), Labcorp
Classification: Pathogenic for RYR1-related disorder. Last evaluated: 2023-09-14. Review status: criteria provided, single submitter. Criteria: Invitae Variant Classification Sherloc (09022015). Collection method: clinical testing. Allele origin: germline.
Comment: This sequence change creates a premature translational stop signal (p.Trp2652*) in the RYR1 gene. It is expected to result in an absent or disrupted protein product. Loss-of-function variants in RYR1 are known to be pathogenic (PMID: 23919265, 25960145, 28818389, 30611313). This variant is not present in population databases (gnomAD no frequency). This variant has not been reported in the literature in individuals affected with RYR1-related conditions. For these reasons, this variant has been classified as Pathogenic.

Literature cited by the submitters: PubMed 23919265; PubMed 25960145; PubMed 28818389; PubMed 30611313.

NM_000540.3(RYR1):c.7956del (p.Cys2651_Trp2652insTer)

Gene: RYR1 (ryanodine receptor 1; plus strand). Cytogenetic location: 19q13.2.
Variant type: Deletion.
Coding change: c.7956del on transcript NM_000540.3 (MANE Select); coding-DNA position 7956, one base deleted (G; older notation c.7956delG).
Protein change: p.Cys2651_Trp2652insTer.
Molecular consequence: nonsense.
Genome position (GRCh38, 1-based): chr19:38,504,249, G deleted; the last of 2 consecutive G bases (chr19:38,504,248-38,504,249); deleting either gives the same sequence. VCF-style (leftmost placement, unchanged base first): chr19-38504247-TG-T. GRCh37 (hg19) VCF-style: chr19-38994887-TG-T.
Other names: c.7956del, p.Cys2651_Trp2652insTer (NM_001042723.2).
Identifiers: ClinVar variation 2806899 (VCV002806899.3), dbSNP rs2514351217, ClinGen allele CA2739276819.